The following is an entry in ClinVar:

NM_001080517.3(SETD5):c.2846C>T (p.Ser949Phe)

Gene: SETD5 (SET domain containing 5; plus strand). Cytogenetic location: 3p25.3.
Variant type: single nucleotide variant.
Coding change: c.2846C>T on transcript NM_001080517.3 (MANE Select); coding-DNA position 2846, C replaced by T.
Protein change: p.Ser949Phe; replaces serine 949 with phenylalanine.
Molecular consequence: missense variant.
Genome position (GRCh38, 1-based): chr3:9,470,580, C>T. VCF-style: chr3-9470580-C-T. GRCh37 (hg19) VCF-style: chr3-9512264-C-T.
Other names: c.2552C>T, p.Ser851Phe (NM_001292043.2, NM_001349451.2); short protein forms S851F, S949F.
Identifiers: ClinVar variation 2497981 (VCV002497981.1), dbSNP rs777955328, ClinGen allele CA2239564.

ClinVar aggregate classification (germline): Uncertain significance (1 of 4 stars; one submission).

Allele frequency attached by ClinVar (database versions not stated): gnomAD exomes 0.00001; ExAC 0.00002; gnomAD 0.00002; TOPMed 0.00002.
gnomAD v4.1: 12 of 1,613,890 alleles (0.00074%); highest among the groups gnomAD compares: African/African-American, 0.004%; no homozygotes.

Submission:

GeneDx
Classification: Uncertain significance. Last evaluated: 2022-10-07. Review status: criteria provided, single submitter. Criteria: GeneDx Variant Classification Process June 2021. Collection method: clinical testing. Allele origin: germline. Affected: yes.
Comment: In silico analysis supports that this missense variant does not alter protein structure/function; Has not been previously published as pathogenic or benign to our knowledge